The following is an entry in ClinVar:

NM_001365999.1(SZT2):c.9563+1G>A

Genes: SZT2 (SZT2 subunit of KICSTOR complex; plus strand), SZT2-AS1 (SZT2 antisense RNA 1; minus strand). Cytogenetic location: 1p34.2.
Variant type: single nucleotide variant.
Coding change: c.9563+1G>A on transcript NM_001365999.1 (MANE Select); the canonical splice donor site of the intron after coding-DNA position 9563, G replaced by A.
Molecular consequence: splice donor variant.
Genome position (GRCh38, 1-based): chr1:43,447,972, G>A. VCF-style: chr1-43447972-G-A. GRCh37 (hg19) VCF-style: chr1-43913643-G-A.
Other names: c.9392+1G>A (NM_015284.4).
Identifiers: ClinVar variation 3672551 (VCV003672551.2).

ClinVar aggregate classification (germline): Likely pathogenic (1 of 4 stars; one submission).

gnomAD v4.1: 2 of 1,613,806 alleles (0.00012%); highest among the groups gnomAD compares: Non-Finnish European, 0.00017%; no homozygotes.

Submission:

Labcorp Genetics (formerly Invitae), Labcorp
Classification: Likely pathogenic. Last evaluated: 2024-02-06. Review status: criteria provided, single submitter. Criteria: Invitae Variant Classification Sherloc (09022015). Collection method: clinical testing. Allele origin: germline.
Comment: This sequence change affects a donor splice site in intron 67 of the SZT2 gene. It is expected to disrupt RNA splicing. Variants that disrupt the donor or acceptor splice site typically lead to a loss of protein function (PMID: 16199547), and loss-of-function variants in SZT2 are known to be pathogenic (PMID: 23932106, 27248490, 28556953). This variant is not present in population databases (gnomAD no frequency). This variant has not been reported in the literature in individuals affected with SZT2-related conditions. Algorithms developed to predict the effect of sequence changes on RNA splicing suggest that this variant may disrupt the consensus splice site. In summary, the currently available evidence indicates that the variant is pathogenic, but additional data are needed to prove that conclusively. Therefore, this variant has been classified as Likely Pathogenic.

Literature cited by the submitters: PubMed 16199547; PubMed 23932106; PubMed 27248490; PubMed 28556953.